The following is an entry in ClinVar:

NM_000152.5(GAA):c.1561G>C (p.Glu521Gln)

Gene: GAA (alpha glucosidase; plus strand). Cytogenetic location: 17q25.3.
Variant type: single nucleotide variant.
Coding change: c.1561G>C on transcript NM_000152.5 (MANE Select); coding-DNA position 1561, G replaced by C.
Protein change: p.Glu521Gln; replaces glutamic acid 521 with glutamine.
Molecular consequence: missense variant.
Genome position (GRCh38, 1-based): chr17:80,110,950, G>C. VCF-style: chr17-80110950-G-C. GRCh37 (hg19) VCF-style: chr17-78084749-G-C.
Other names: c.1561G>C, p.Glu521Gln (NM_001079803.3, NM_001079804.3, NM_001406741.1 and 1 more transcripts); short protein forms E521Q.
Identifiers: ClinVar variation 2736677 (VCV002736677.4), dbSNP rs121907937, ClinGen allele CA401367201.
Genomic context (GRCh38, chr17:80,110,950, plus strand): 5'-CACCCTCCTCACTCTGGGCAGAGTCACCTACCAGCAGCGCTTCTCTTGCAGGACATGAAC[G>C]AGCCTTCCAACTTCATCAGGGGCTCTGAGGACGGCTGCCCCAACAATGAGCTGGAGAACC-3'
Protein context (NP_000143.2, residues 511-531): PFDGMWIDMN[Glu521Gln]PSNFIRGSED

ClinVar aggregate classification (germline): Pathogenic/Likely pathogenic. Review status: criteria provided, multiple submitters, no conflicts (2 of 4 stars). 2 submissions from 2 submitters: Pathogenic (1); Likely pathogenic (1). Last evaluated 2026-07-01.

Conditions:
Glycogen storage disease, type II (IOPD). Also called: CARDIOMEGALIA GLYCOGENICA DIFFUSA; GLYCOGENOSIS, GENERALIZED, CARDIAC FORM; GSD II; Glycogen storage disease type 2; Acid maltase deficiency disease; Aglucosidase alfa. Identifiers: Orphanet 365, MedGen C0017921, MONDO:0009290, OMIM 232300.

Submissions (2):

Genomenon, Inc
Classification: Likely pathogenic for Glycogen storage disease, type II. Last evaluated: 2026-07-01. Review status: criteria provided, single submitter. Criteria: Genomenon Sequence Variant Interpretation Standards - Updated. Collection method: curation. Allele origin: germline. Affected: yes.
Comment: GAA p.Glu521Gln (c.1561G>C) is a missense variant that changes the amino acid at codon 521 from Glutamic acid to Glutamine. This variant has been observed in at least one proband with a GAA-related disorder in the compound heterozygous and/or homozygous state (PMID:19588081). At least one functional study has demonstrated a substantial alteration in protein function relative to the wild-type (PMID:22644586;1898413). It is absent or not present at a significant frequency in gnomAD. In silico models predict that this variant is possibly or probably damaging. In conclusion, we classify GAA p.Glu521Gln (c.1561G>C) as a likely pathogenic variant.

Labcorp Genetics (formerly Invitae), Labcorp
Classification: Pathogenic for Glycogen storage disease, type II. Last evaluated: 2024-09-25. Review status: criteria provided, single submitter. Criteria: Invitae Variant Classification Sherloc (09022015). Collection method: clinical testing. Allele origin: germline.
Comment: This sequence change replaces glutamic acid, which is acidic and polar, with glutamine, which is neutral and polar, at codon 521 of the GAA protein (p.Glu521Gln). This variant is not present in population databases (gnomAD no frequency). This missense change has been observed in individual(s) with infantile glycogenosis type II and/or Pompe disease (PMID: 1898413, 18425781). It has also been observed to segregate with disease in related individuals. Invitae Evidence Modeling of protein sequence and biophysical properties (such as structural, functional, and spatial information, amino acid conservation, physicochemical variation, residue mobility, and thermodynamic stability) indicates that this missense variant is expected to disrupt GAA protein function with a positive predictive value of 95%. Experimental studies have shown that this missense change affects GAA function (PMID: 1898413, 22644586). This variant disrupts the p.Glu521 amino acid residue in GAA. Other variant(s) that disrupt this residue have been determined to be pathogenic (PMID: 1898413, 17723315). This suggests that this residue is clinically significant, and that variants that disrupt this residue are likely to be disease-causing. For these reasons, this variant has been classified as Pathogenic.

Literature cited by the submitters: PubMed 19588081 (cited by Genomenon, Inc); PubMed 22644586 (cited by Genomenon, Inc and Labcorp Genetics (formerly Invitae), Labcorp); PubMed 1898413 (cited by Genomenon, Inc and Labcorp Genetics (formerly Invitae), Labcorp); PubMed 18425781 (cited by Labcorp Genetics (formerly Invitae), Labcorp); PubMed 17723315 (cited by Labcorp Genetics (formerly Invitae), Labcorp).